The following is an entry in ClinVar:

ClinVar aggregate classification (germline): Likely benign (1 of 4 stars; one submission).

gnomAD v4.1: 1 of 1,614,140 alleles (0.000062%); highest among the groups gnomAD compares: Non-Finnish European, 0.000085%; no homozygotes.

Submission:

CeGaT Center for Human Genetics Tuebingen
Classification: Likely benign. Last evaluated: 2025-12-01. Review status: criteria provided, single submitter. Criteria: CeGaT Center For Human Genetics Tuebingen Variant Classification Criteria Version 2. Collection method: clinical testing. Allele origin: germline. Affected: yes. Observed: 1 variant allele.
Comment: KDM5B: BP4, BP7

NM_006618.5(KDM5B):c.2517G>A (p.Val839=)

Gene: KDM5B (lysine demethylase 5B; minus strand). Cytogenetic location: 1q32.1.
Variant type: single nucleotide variant.
Coding change: c.2517G>A on transcript NM_006618.5 (MANE Select); coding-DNA position 2517, G replaced by A.
Protein change: p.Val839=; no amino-acid change (valine 839 retained).
Molecular consequence: synonymous variant.
Genome position (GRCh38, 1-based): chr1:202,742,463, C>T on the plus strand (G>A on the coding strand, the complement: KDM5B is on the minus strand). VCF-style: chr1-202742463-C-T. GRCh37 (hg19) VCF-style: chr1-202711591-C-T.
Other names: c.2625G>A, p.Val875= (NM_001314042.2); c.2382G>A, p.Val794= (NM_001347591.2); c.2502G>A, p.Val834= (NM_001399817.1).
Identifiers: ClinVar variation 4821950 (VCV004821950.4).